The following is an entry in ClinVar:

ClinVar aggregate classification (germline): Conflicting classifications of pathogenicity. Review status: criteria provided, conflicting classifications (1 of 4 stars). 4 submissions from 4 submitters: Uncertain significance (3); Likely benign (1). Last evaluated 2026-03-27.

Conditions:
Hereditary cancer-predisposing syndrome. Also called: Neoplastic Syndromes, Hereditary; Hereditary Cancer Syndrome; Tumor predisposition; Hereditary neoplastic syndrome. Identifiers: Orphanet 140162, MedGen C0027672, MeSH D009386, MONDO:0015356.
Colorectal cancer, susceptibility to, 12 (CRCS12). Also called: COLORECTAL CANCER, SUSCEPTIBILITY TO, ON CHROMOSOME 12q24. Identifiers: Orphanet 220460, MedGen C3554460, MONDO:0014038, OMIM 615083.

Allele frequency attached by ClinVar (database versions not stated): gnomAD 0.00001; gnomAD exomes 0.00002; TOPMed 0.00003; ExAC 0.00002.
gnomAD v4.1: 24 of 1,613,956 alleles (0.0015%); highest among the groups gnomAD compares: South Asian, 0.016%; no homozygotes.

Submissions (4):

Dasa
Classification: Uncertain significance for Colorectal cancer, susceptibility to, 12. Last evaluated: 2026-03-27. Review status: criteria provided, single submitter. Criteria: DASA Assertion Criteria. Collection method: clinical testing. Allele origin: germline.
Comment: NM_006231.4(POLE):c.2183G>A (p.Arg728Gln) is a missense variant that results in the substitution of arginine with glutamine. This variant is rare in population databases. Computational prediction algorithms are consistent with a benign effect. The currently available literature and clinical evidence are not sufficient to establish a definitive association between this variant and the reported condition. Therefore, this variant is classified as a variant of uncertain significance.

Labcorp Genetics (formerly Invitae), Labcorp
Classification: Uncertain significance. Last evaluated: 2026-02-03. Review status: criteria provided, single submitter. Criteria: Invitae Variant Classification Sherloc (09022015). Collection method: clinical testing. Allele origin: germline.
Comment: This sequence change replaces arginine, which is basic and polar, with glutamine, which is neutral and polar, at codon 728 of the POLE protein (p.Arg728Gln). This variant is present in population databases (rs762552065, gnomAD 0.01%). This variant has not been reported in the literature in individuals affected with POLE-related conditions. ClinVar contains an entry for this variant (Variation ID: 540626). Invitae Evidence Modeling of protein sequence and biophysical properties (such as structural, functional, and spatial information, amino acid conservation, physicochemical variation, residue mobility, and thermodynamic stability) indicates that this missense variant is not expected to disrupt POLE protein function with a negative predictive value of 80%. RNA analysis performed to evaluate the impact of this missense change on mRNA splicing indicates it does not significantly alter splicing (internal data). In summary, the available evidence is currently insufficient to determine the role of this variant in disease. Therefore, it has been classified as a Variant of Uncertain Significance.

GeneDx
Classification: Uncertain significance. Last evaluated: 2025-08-20. Review status: criteria provided, single submitter. Criteria: GeneDx Variant Classification Process June 2021. Collection method: clinical testing. Allele origin: germline.
Comment: Not observed at significant frequency in large population cohorts (gnomAD); In silico analysis supports that this missense variant has a deleterious effect on protein structure/function; Has not been previously published as pathogenic or benign to our knowledge; This variant is associated with the following publications: (PMID: 29056344, 20951805)

Ambry Genetics
Classification: Likely benign for Hereditary cancer-predisposing syndrome. Last evaluated: 2024-12-10. Review status: criteria provided, single submitter. Criteria: Ambry Variant Classification Scheme 2023. Collection method: clinical testing. Allele origin: germline.

NM_006231.4(POLE):c.2183G>A (p.Arg728Gln)

Gene: POLE (DNA polymerase epsilon, catalytic subunit; minus strand). Cytogenetic location: 12q24.33.
Variant type: single nucleotide variant.
Coding change: c.2183G>A on transcript NM_006231.4 (MANE Select); coding-DNA position 2183, G replaced by A.
Protein change: p.Arg728Gln; replaces arginine 728 with glutamine.
Molecular consequence: missense variant.
Genome position (GRCh38, 1-based): chr12:132,667,639, C>T on the plus strand (G>A on the coding strand, the complement: POLE is on the minus strand). VCF-style: chr12-132667639-C-T. GRCh37 (hg19) VCF-style: chr12-133244225-C-T.
Other names: c.2183G>A (NM_006231.2); short protein forms R728Q.
Identifiers: ClinVar variation 540626 (VCV000540626.15), dbSNP rs762552065, ClinGen allele CA6893637.